The following is an entry in ClinVar:

NM_001330700.2(TOP2B):c.1632T>A (p.Asp544Glu)

Gene: TOP2B (DNA topoisomerase II beta; minus strand). Cytogenetic location: 3p24.2.
Variant type: single nucleotide variant.
Coding change: c.1632T>A on transcript NM_001330700.2 (MANE Select); coding-DNA position 1632, T replaced by A.
Protein change: p.Asp544Glu; replaces aspartic acid 544 with glutamic acid.
Molecular consequence: missense variant.
Genome position (GRCh38, 1-based): chr3:25,630,086, A>T on the plus strand (T>A on the coding strand, the complement: TOP2B is on the minus strand). VCF-style: chr3-25630086-A-T. GRCh37 (hg19) VCF-style: chr3-25671577-A-T.
Other names: c.1617T>A, p.Asp539Glu (NM_001068.3); short protein forms D539E, D544E.
Identifiers: ClinVar variation 1400863 (VCV001400863.8), dbSNP rs2125377344, ClinGen allele CA351908491.

ClinVar aggregate classification (germline): Uncertain significance (1 of 4 stars; one submission).

Submission:

Labcorp Genetics (formerly Invitae), Labcorp
Classification: Uncertain significance. Last evaluated: 2021-06-14. Review status: criteria provided, single submitter. Criteria: Invitae Variant Classification Sherloc (09022015). Collection method: clinical testing. Allele origin: germline.
Comment: In summary, the available evidence is currently insufficient to determine the role of this variant in disease. Therefore, it has been classified as a Variant of Uncertain Significance. This sequence change replaces aspartic acid with glutamic acid at codon 539 of the TOP2B protein (p.Asp539Glu). The aspartic acid residue is moderately conserved and there is a small physicochemical difference between aspartic acid and glutamic acid. This variant is not present in population databases (ExAC no frequency). This variant has not been reported in the literature in individuals with TOP2B-related conditions. Algorithms developed to predict the effect of missense changes on protein structure and function output the following: SIFT: "Tolerated"; PolyPhen-2: "Benign"; Align-GVGD: "Class C0". The glutamic acid amino acid residue is found in multiple mammalian species, suggesting that this missense change does not adversely affect protein function. These predictions have not been confirmed by published functional studies and their clinical significance is uncertain.